The following is an entry in ClinVar:

ClinVar aggregate classification (germline): Uncertain significance (1 of 4 stars; one submission).

Submission:

GeneDx
Classification: Uncertain significance. Last evaluated: 2023-03-22. Review status: criteria provided, single submitter. Criteria: GeneDx Variant Classification Process June 2021. Collection method: clinical testing. Allele origin: germline. Affected: yes.
Comment: Not observed at significant frequency in large population cohorts (gnomAD); In silico analysis supports that this missense variant does not alter protein structure/function; Has not been previously published as pathogenic or benign to our knowledge

NM_018896.5(CACNA1G):c.4912A>C (p.Ile1638Leu)

Gene: CACNA1G (calcium voltage-gated channel subunit alpha1 G; plus strand). Cytogenetic location: 17q21.33.
Variant type: single nucleotide variant.
Coding change: c.4912A>C on transcript NM_018896.5 (MANE Select); coding-DNA position 4912, A replaced by C.
Protein change: p.Ile1638Leu; replaces isoleucine 1638 with leucine.
Molecular consequence: missense variant. On other transcripts: non-coding transcript variant (5).
Genome position (GRCh38, 1-based): chr17:50,616,275, A>C. VCF-style: chr17-50616275-A-C. GRCh37 (hg19) VCF-style: chr17-48693636-A-C.
Other names: c.4858A>C, p.Ile1620Leu (NM_001256324.2, NM_001256328.2, NM_198386.3); c.4933A>C, p.Ile1645Leu (NM_001256325.2); c.4777A>C, p.Ile1593Leu (NM_001256326.2, NM_001256330.2); c.4912A>C, p.Ile1638Leu (NM_001256327.2, NM_001256333.2, NM_198384.3 and 1 more transcripts); c.4810A>C, p.Ile1604Leu (NM_001256329.2, NM_198376.3, NM_198379.3 and 2 more transcripts); c.4756A>C, p.Ile1586Leu (NM_001256331.2); c.4741A>C, p.Ile1581Leu (NM_001256332.2); c.4879A>C, p.Ile1627Leu (NM_001256334.2, NM_198377.3, NM_198378.3 and 1 more transcripts); and 5 more; short protein forms I1581L, I1586L, I1593L, I1597L, I1600L, I1602L, I1604L, I1611L.
Identifiers: ClinVar variation 3342889 (VCV003342889.1).